The following is an entry in ClinVar:

ClinVar aggregate classification (germline): Likely benign. Review status: criteria provided, multiple submitters, no conflicts (2 of 4 stars). 4 submissions from 4 submitters: Likely benign (3). 1 of the submissions does not count toward it. Last evaluated 2026-01-28.

Conditions:
Jeune thoracic dystrophy. Also called: Jeune syndrome; Infantile thoracic dystrophy; Thoracic pelvic phalangeal dystrophy; Jeune's syndrome; Chondroectodermal dysplasia-like syndrome; Short-rib thoracic dysplasia. Identifiers: Orphanet 474, MedGen C0265275, MONDO:0018770.
DYNC2H1-related disorder. Also called: DYNC2H1-related condition; DYNC2H1-related disorders. Identifiers: MedGen CN378770.

Allele frequency attached by ClinVar (database versions not stated): ExAC 0.00010; gnomAD exomes 0.00010 and 0.00014; TOPMed 0.00015; gnomAD 0.00016 and 0.00017; ESP Exome Variant Server 0.00017.

Submissions (4):

Labcorp Genetics (formerly Invitae), Labcorp
Classification: Likely benign for Jeune thoracic dystrophy. Last evaluated: 2026-01-28. Review status: criteria provided, single submitter. Criteria: Invitae Variant Classification Sherloc (09022015). Collection method: clinical testing. Allele origin: germline.

CeGaT Center for Human Genetics Tuebingen
Classification: Likely benign. Last evaluated: 2025-07-01. Review status: criteria provided, single submitter. Criteria: CeGaT Center For Human Genetics Tuebingen Variant Classification Criteria Version 2. Collection method: clinical testing. Allele origin: germline. Affected: yes. Observed: 2 variant alleles.
Comment: DYNC2H1: BP4, BP7

Blueprint Genetics
Classification: Likely benign. Last evaluated: 2024-10-10. Review status: criteria provided, single submitter. Criteria: ACMG Guidelines, 2015. Collection method: clinical testing. Allele origin: germline.

PreventionGenetics, part of Exact Sciences
Classification: Likely benign for DYNC2H1-related condition. Last evaluated: 2024-04-17. Review status: no assertion criteria provided. Collection method: clinical testing. Allele origin: germline. Not counted in ClinVar's aggregate classification.
Comment: This variant is classified as likely benign based on ACMG/AMP sequence variant interpretation guidelines (Richards et al. 2015 PMID: 25741868, with internal and published modifications).

NM_001377.3(DYNC2H1):c.6726G>T (p.Val2242=)

Gene: DYNC2H1 (dynein cytoplasmic 2 heavy chain 1; plus strand). Cytogenetic location: 11q22.3.
Variant type: single nucleotide variant.
Coding change: c.6726G>T on transcript NM_001377.3 (MANE Select); coding-DNA position 6726, G replaced by T.
Protein change: p.Val2242=; no amino-acid change (valine 2242 retained).
Molecular consequence: synonymous variant.
Genome position (GRCh38, 1-based): chr11:103,186,334, G>T. VCF-style: chr11-103186334-G-T. GRCh37 (hg19) VCF-style: chr11-103057063-G-T.
Other names: c.6726G>T, p.Val2242= (NM_001080463.2).
Identifiers: ClinVar variation 695474 (VCV000695474.32), dbSNP rs200600809, ClinGen allele CA6254060.